The following is an entry in ClinVar:

ClinVar aggregate classification (germline): Uncertain significance (1 of 4 stars; one submission).

gnomAD v4.1: 1 of 1,613,924 alleles (0.000062%); highest among the groups gnomAD compares: Non-Finnish European, 0.000085%; no homozygotes.

Submission:

GeneDx
Classification: Uncertain significance. Last evaluated: 2023-07-23. Review status: criteria provided, single submitter. Criteria: GeneDx Variant Classification Process June 2021. Collection method: clinical testing. Allele origin: germline. Affected: yes.
Comment: Not observed at significant frequency in large population cohorts (gnomAD); In silico analysis supports that this missense variant has a deleterious effect on protein structure/function; Has not been previously published as pathogenic or benign to our knowledge; This variant is associated with the following publications: (PMID: 22982744)

NM_001365902.3(NFIX):c.727T>C (p.Phe243Leu)

Gene: NFIX (nuclear factor I X; plus strand). Cytogenetic location: 19p13.13.
Variant type: single nucleotide variant.
Coding change: c.727T>C on transcript NM_001365902.3 (MANE Select); coding-DNA position 727, T replaced by C.
Protein change: p.Phe243Leu; replaces phenylalanine 243 with leucine.
Molecular consequence: missense variant.
Genome position (GRCh38, 1-based): chr19:13,073,935, T>C. VCF-style: chr19-13073935-T-C. GRCh37 (hg19) VCF-style: chr19-13184749-T-C.
Other names: c.751T>C, p.Phe251Leu (NM_001271043.2); c.703T>C, p.Phe235Leu (NM_001271044.3, NM_001378404.1); c.727T>C, p.Phe243Leu (NM_001365982.2, NM_002501.4); c.586T>C, p.Phe196Leu (NM_001365983.2); c.724T>C, p.Phe242Leu (NM_001365984.2, NM_001365985.2); c.775T>C, p.Phe259Leu (NM_001378405.1); short protein forms F196L, F235L, F242L, F243L, F251L, F259L.
Identifiers: ClinVar variation 3361310 (VCV003361310.1).